The following is an entry in ClinVar:

NM_014053.4(FLVCR1):c.577G>C (p.Gly193Arg)

Gene: FLVCR1 (FLVCR choline and heme transporter 1; plus strand). Cytogenetic location: 1q32.3.
Variant type: single nucleotide variant.
Coding change: c.577G>C on transcript NM_014053.4 (MANE Select); coding-DNA position 577, G replaced by C.
Protein change: p.Gly193Arg; replaces glycine 193 with arginine.
Molecular consequence: missense variant.
Genome position (GRCh38, 1-based): chr1:212,859,029, G>C. VCF-style: chr1-212859029-G-C. GRCh37 (hg19) VCF-style: chr1-213032371-G-C.
Other names: short protein forms G193R.
Identifiers: ClinVar variation 1462054 (VCV001462054.5), dbSNP rs145380701, ClinGen allele CA1385915.

ClinVar aggregate classification (germline): Uncertain significance (1 of 4 stars; one submission).

Allele frequency attached by ClinVar (database versions not stated): gnomAD exomes below 0.00001 and 0.00001; gnomAD 0.00001; ExAC 0.00002; TOPMed 0.00002; ESP Exome Variant Server 0.00008.
gnomAD v4.1: 7 of 1,612,204 alleles (0.00043%); highest among the groups gnomAD compares: East Asian, 0.0022%; no homozygotes.

Submission:

Labcorp Genetics (formerly Invitae), Labcorp
Classification: Uncertain significance. Last evaluated: 2022-08-16. Review status: criteria provided, single submitter. Criteria: Invitae Variant Classification Sherloc (09022015). Collection method: clinical testing. Allele origin: germline.
Comment: This sequence change replaces glycine, which is neutral and non-polar, with arginine, which is basic and polar, at codon 193 of the FLVCR1 protein (p.Gly193Arg). This variant is present in population databases (rs145380701, gnomAD 0.01%). This variant has not been reported in the literature in individuals affected with FLVCR1-related conditions. ClinVar contains an entry for this variant (Variation ID: 1462054). Algorithms developed to predict the effect of missense changes on protein structure and function are either unavailable or do not agree on the potential impact of this missense change (SIFT: "Tolerated"; PolyPhen-2: "Possibly Damaging"; Align-GVGD: "Class C0"). In summary, the available evidence is currently insufficient to determine the role of this variant in disease. Therefore, it has been classified as a Variant of Uncertain Significance.